The following is an entry in ClinVar:

ClinVar aggregate classification (germline): Uncertain significance. Review status: criteria provided, multiple submitters, no conflicts (2 of 4 stars). 2 submissions from 2 submitters: Uncertain significance (2). Last evaluated 2025-07-15.

Conditions:
Inborn genetic diseases. Identifiers: MedGen C0950123, MeSH D030342.

Allele frequency attached by ClinVar (database versions not stated): gnomAD 0.00003; TOPMed 0.00003; gnomAD exomes 0.00004; ESP Exome Variant Server 0.00008.
gnomAD v4.1: 79 of 1,613,674 alleles (0.0049%); highest among the groups gnomAD compares: Non-Finnish European, 0.0056%; no homozygotes.

Submissions (2):

Ambry Genetics
Classification: Uncertain significance for Inborn genetic diseases. Last evaluated: 2025-07-15. Review status: criteria provided, single submitter. Criteria: Ambry Variant Classification Scheme 2023. Collection method: clinical testing. Allele origin: germline.

Labcorp Genetics (formerly Invitae), Labcorp
Classification: Uncertain significance. Last evaluated: 2021-12-18. Review status: criteria provided, single submitter. Criteria: Invitae Variant Classification Sherloc (09022015). Collection method: clinical testing. Allele origin: germline.
Comment: This sequence change replaces methionine, which is neutral and non-polar, with valine, which is neutral and non-polar, at codon 490 of the PODXL protein (p.Met490Val). This variant is present in population databases (rs138022509, gnomAD 0.003%). This variant has not been reported in the literature in individuals affected with PODXL-related conditions. Algorithms developed to predict the effect of missense changes on protein structure and function are either unavailable or do not agree on the potential impact of this missense change (SIFT: "Deleterious"; PolyPhen-2: "Possibly Damaging"; Align-GVGD: "Class C15"). Algorithms developed to predict the effect of sequence changes on RNA splicing suggest that this variant may create or strengthen a splice site. In summary, the available evidence is currently insufficient to determine the role of this variant in disease. Therefore, it has been classified as a Variant of Uncertain Significance.

NM_001018111.3(PODXL):c.1564A>G (p.Met522Val)

Gene: PODXL (podocalyxin like; minus strand). Cytogenetic location: 7q32.3.
Variant type: single nucleotide variant.
Coding change: c.1564A>G on transcript NM_001018111.3 (MANE Select); coding-DNA position 1564, A replaced by G.
Protein change: p.Met522Val; replaces methionine 522 with valine.
Molecular consequence: missense variant.
Genome position (GRCh38, 1-based): chr7:131,504,424, T>C on the plus strand (A>G on the coding strand, the complement: PODXL is on the minus strand). VCF-style: chr7-131504424-T-C. GRCh37 (hg19) VCF-style: chr7-131189183-T-C.
Other names: c.1468A>G, p.Met490Val (NM_005397.4); short protein forms M490V, M522V.
Identifiers: ClinVar variation 1905888 (VCV001905888.7), dbSNP rs138022509, ClinGen allele CA166924764.